The following is an entry in ClinVar:

ClinVar aggregate classification (germline): Benign/Likely benign. Review status: criteria provided, multiple submitters, no conflicts (2 of 4 stars). 5 submissions from 5 submitters: Benign (2); Likely benign (3). Last evaluated 2026-01-27.

Conditions:
Ataxia, early-onset, with oculomotor apraxia and hypoalbuminemia (EAOH). Also called: ATAXIA-OCULOMOTOR APRAXIA SYNDROME; ATAXIA-TELANGIECTASIA-LIKE SYNDROME; Ataxia-oculomotor apraxia type 1. Identifiers: Orphanet 1168, MedGen C1859598, MONDO:0008842, OMIM 208920.

Allele frequency attached by ClinVar (database versions not stated): gnomAD exomes 0.00085; ExAC 0.00103; ESP Exome Variant Server 0.00323; gnomAD 0.00330 and 0.00350; TOPMed 0.00360; 1000 Genomes Project 0.00419; 1000 Genomes Project 30x 0.00422.
gnomAD v4.1: 1,018 of 1,614,030 alleles (0.063%); highest among the groups gnomAD compares: African/African-American, 1.2%; 8 homozygotes.

Submissions (5):

Labcorp Genetics (formerly Invitae), Labcorp
Classification: Benign. Last evaluated: 2026-01-27. Review status: criteria provided, single submitter. Criteria: Invitae Variant Classification Sherloc (09022015). Collection method: clinical testing. Allele origin: germline.

CeGaT Center for Human Genetics Tuebingen
Classification: Likely benign. Last evaluated: 2025-11-01. Review status: criteria provided, single submitter. Criteria: CeGaT Center For Human Genetics Tuebingen Variant Classification Criteria Version 2. Collection method: clinical testing. Allele origin: germline. Affected: yes. Observed: 2 variant alleles.
Comment: APTX: BP4, BS1

Athena Diagnostics
Classification: Benign. Last evaluated: 2025-09-08. Review status: criteria provided, single submitter. Criteria: Athena Diagnostics Criteria. Collection method: clinical testing. Allele origin: unknown.
Comment: The frequency of this variant in the general population is higher than would generally be expected for pathogenic variants in this gene.

GeneDx
Classification: Likely benign. Last evaluated: 2025-04-02. Review status: criteria provided, single submitter. Criteria: GeneDx Variant Classification Process June 2021. Collection method: clinical testing. Allele origin: germline. Affected: yes.
Comment: See Variant Classification Assertion Criteria.

ARUP Laboratories, Molecular Genetics and Genomics, ARUP Laboratories
Classification: Likely benign for Ataxia, early-onset, with oculomotor apraxia and hypoalbuminemia. Last evaluated: 2023-11-22. Review status: criteria provided, single submitter. Criteria: ARUP Molecular Germline Variant Investigation Process 2024. Collection method: clinical testing. Allele origin: germline.

Literature cited by the submitters: PubMed 17049295 (cited by Athena Diagnostics).

NM_001195248.2(APTX):c.457A>G (p.Lys153Glu)

Gene: APTX (aprataxin; minus strand). Cytogenetic location: 9p21.1.
Variant type: single nucleotide variant.
Coding change: c.457A>G on transcript NM_001195248.2 (MANE Select); coding-DNA position 457, A replaced by G.
Protein change: p.Lys153Glu; replaces lysine 153 with glutamic acid.
Molecular consequence: missense variant. On other transcripts: non-coding transcript variant (13), intron variant (1).
Genome position (GRCh38, 1-based): chr9:32,987,570, T>C on the plus strand (A>G on the coding strand, the complement: APTX is on the minus strand). VCF-style: chr9-32987570-T-C. GRCh37 (hg19) VCF-style: chr9-32987568-T-C.
Other names: c.457A>G, p.Lys153Glu (NM_001195249.2, NM_001195251.2, NM_001368995.1 and 6 more transcripts); c.295A>G, p.Lys99Glu (NM_001195250.2, NM_001195254.2, NM_001369000.1 and 1 more transcripts); c.193A>G, p.Lys65Glu (NM_001369002.1, NM_001369003.1, NM_001369004.1 and 5 more transcripts); c.267+190A>G (NM_001195252.2); short protein forms K153E, K65E, K99E.
Identifiers: ClinVar variation 1165062 (VCV001165062.22), dbSNP rs34634937, ClinGen allele CA5022516.
Genomic context (GRCh38, chr9:32,987,570, plus strand): 5'-TCTCCACATCATCTACCAATCACACTACCCTCACCTTTTTGATAGGTGCATCTTTTCCCT[T>C]CTTTAGGGGCACAGAGCATTGGCCAGAGTTGCTCCCAGGTTCCAGCCCTGTCCCAGCCTC-3'
Protein context (NP_001182177.2, residues 143-163): NSGQCSVPLK[Lys153Glu]GKDAPIKKES